The following is an entry in ClinVar:

ClinVar aggregate classification (germline): Uncertain significance (1 of 4 stars; one submission).

Conditions:
Leukocyte adhesion deficiency 1 (LAD1). Also called: LEUKOCYTE ADHESION DEFICIENCY, TYPE I; LAD 1; Lymphocyte function-associated antigen 1 immunodeficiency; LFA 1 immunodeficiency. Identifiers: Orphanet 2968, Orphanet 99842, MedGen C0398738, MONDO:0007293, OMIM 116920.

Submission:

Labcorp Genetics (formerly Invitae), Labcorp
Classification: Uncertain significance for Leukocyte adhesion deficiency 1. Last evaluated: 2024-07-06. Review status: criteria provided, single submitter. Criteria: Invitae Variant Classification Sherloc (09022015). Collection method: clinical testing. Allele origin: germline.
Comment: This sequence change replaces aspartic acid, which is acidic and polar, with histidine, which is basic and polar, at codon 63 of the ITGB2 protein (p.Asp63His). This variant is not present in population databases (gnomAD no frequency). This variant has not been reported in the literature in individuals affected with ITGB2-related conditions. ClinVar contains an entry for this variant (Variation ID: 1007631). Advanced modeling of protein sequence and biophysical properties (such as structural, functional, and spatial information, amino acid conservation, physicochemical variation, residue mobility, and thermodynamic stability) has been performed at Invitae for this missense variant, however the output from this modeling did not meet the statistical confidence thresholds required to predict the impact of this variant on ITGB2 protein function. In summary, the available evidence is currently insufficient to determine the role of this variant in disease. Therefore, it has been classified as a Variant of Uncertain Significance.

NM_000211.5(ITGB2):c.187G>C (p.Asp63His)

Gene: ITGB2 (integrin subunit beta 2; minus strand). Cytogenetic location: 21q22.3.
Variant type: single nucleotide variant.
Coding change: c.187G>C on transcript NM_000211.5 (MANE Select); coding-DNA position 187, G replaced by C.
Protein change: p.Asp63His; replaces aspartic acid 63 with histidine.
Molecular consequence: missense variant. On other transcripts: 5 prime UTR variant (1).
Genome position (GRCh38, 1-based): chr21:44,907,056, C>G on the plus strand (G>C on the coding strand, the complement: ITGB2 is on the minus strand). VCF-style: chr21-44907056-C-G. GRCh37 (hg19) VCF-style: chr21-46326971-C-G.
Other names: c.187G>C, p.Asp63His (NM_001127491.3); c.-21G>C (NM_001303238.2); short protein forms D63H.
Identifiers: ClinVar variation 1007631 (VCV001007631.9), dbSNP rs758534687, ClinGen allele CA410479909.